The following is an entry in ClinVar:

NM_001024630.4(RUNX2):c.887C>T (p.Pro296Leu)

Gene: RUNX2 (RUNX family transcription factor 2; plus strand). Cytogenetic location: 6p21.1.
Variant type: single nucleotide variant.
Coding change: c.887C>T on transcript NM_001024630.4 (MANE Select); coding-DNA position 887, C replaced by T.
Protein change: p.Pro296Leu; replaces proline 296 with leucine.
Molecular consequence: missense variant.
Genome position (GRCh38, 1-based): chr6:45,512,273, C>T. VCF-style: chr6-45512273-C-T. GRCh37 (hg19) VCF-style: chr6-45480010-C-T.
Other names: c.887C>T, p.Pro296Leu (NM_001015051.4); c.845C>T, p.Pro282Leu (NM_001278478.2, NM_001369405.1); short protein forms P296L, P282L.
Identifiers: ClinVar variation 357094 (VCV000357094.11), dbSNP rs201584115, ClinGen allele CA3836517.
Genomic context (GRCh38, chr6:45,512,273, plus strand): 5'-TATACTAAAGATTTTTCTTTTTCTTTTTCCCAGACCCCAGGCAGGCACAGTCTTCCCCGC[C>T]GTGGTCCTATGACCAGTCTTACCCCTCCTACCTGAGCCAGATGACGTCCCCGTCCATCCA-3'
Protein context (NP_001019801.3, residues 286-306): TDPRQAQSSP[Pro296Leu]WSYDQSYPSY

ClinVar aggregate classification (germline): Conflicting classifications of pathogenicity. Review status: criteria provided, conflicting classifications (1 of 4 stars). 3 submissions from 3 submitters: Uncertain significance (1); Likely benign (2). Last evaluated 2025-06-02.

Conditions:
Cleidocranial dysostosis (CLCD1). Also called: cleidocranial dysplasia 1; Cleidocranial Dysplasia Spectrum Disorder; Marie-Sainton disease. Identifiers: Orphanet 1452, MedGen C0008928, MONDO:0007340, OMIM 119600.

Allele frequency attached by ClinVar (database versions not stated): TOPMed 0.00006; gnomAD 0.00009 and 0.00010; ESP Exome Variant Server 0.00015; gnomAD exomes 0.00017; ExAC 0.00021; 1000 Genomes Project 30x 0.00031; 1000 Genomes Project 0.00040.
gnomAD v4.1: 230 of 1,614,050 alleles (0.014%); highest among the groups gnomAD compares: South Asian, 0.031%; 1 homozygote.

Submissions (3):

Labcorp Genetics (formerly Invitae), Labcorp
Classification: Uncertain significance. Last evaluated: 2025-06-02. Review status: criteria provided, single submitter. Criteria: Invitae Variant Classification Sherloc (09022015). Collection method: clinical testing. Allele origin: germline.
Comment: This sequence change replaces proline, which is neutral and non-polar, with leucine, which is neutral and non-polar, at codon 296 of the RUNX2 protein (p.Pro296Leu). This variant is present in population databases (rs201584115, gnomAD 0.04%), and has an allele count higher than expected for a pathogenic variant. This variant has not been reported in the literature in individuals affected with RUNX2-related conditions. ClinVar contains an entry for this variant (Variation ID: 357094). Invitae Evidence Modeling of protein sequence and biophysical properties (such as structural, functional, and spatial information, amino acid conservation, physicochemical variation, residue mobility, and thermodynamic stability) indicates that this missense variant is not expected to disrupt RUNX2 protein function with a negative predictive value of 80%. In summary, the available evidence is currently insufficient to determine the role of this variant in disease. Therefore, it has been classified as a Variant of Uncertain Significance.

Blueprint Genetics
Classification: Likely benign. Last evaluated: 2024-11-25. Review status: criteria provided, single submitter. Criteria: ACMG Guidelines, 2015. Collection method: clinical testing. Allele origin: germline.

Illumina Laboratory Services, Illumina
Classification: Likely benign for Cleidocranial dysostosis. Last evaluated: 2017-04-27. Review status: criteria provided, single submitter. Criteria: ICSL Variant Classification Criteria 13 December 2019. Collection method: clinical testing. Allele origin: germline.
Comment: This variant was observed as part of a predisposition screen in an ostensibly healthy population. A literature search was performed for the gene, cDNA change, and amino acid change (where applicable). Publications were found based on this search. The evidence from the literature, in combination with allele frequency data from public databases where available, was sufficient to determine this variant is unlikely to cause disease. Therefore, this variant is classified as likely benign.

Literature cited by the submitters: PubMed 10521292 (cited by Illumina Laboratory Services, Illumina).